The following is an entry in ClinVar:

ClinVar aggregate classification (germline): Uncertain significance (1 of 4 stars; one submission).

Conditions:
Norman-Roberts syndrome (LIS2). Also called: Lissencephaly 2 (Norman-Roberts type). Identifiers: Orphanet 89844, MedGen C0796089, MONDO:0009760, OMIM 257320.
Familial temporal lobe epilepsy 7. Identifiers: Orphanet 101046, MedGen C4225327, MONDO:0014639, OMIM 616436.

Submission:

Labcorp Genetics (formerly Invitae), Labcorp
Classification: Uncertain significance for Familial temporal lobe epilepsy 7; Norman-Roberts syndrome. Last evaluated: 2019-11-26. Review status: criteria provided, single submitter. Criteria: Invitae Variant Classification Sherloc (09022015). Collection method: clinical testing. Allele origin: germline.
Comment: This sequence change replaces proline with leucine at codon 3116 of the RELN protein (p.Pro3116Leu). The proline residue is highly conserved and there is a moderate physicochemical difference between proline and leucine. This variant is not present in population databases (ExAC no frequency). This variant has not been reported in the literature in individuals with RELN-related conditions. Algorithms developed to predict the effect of missense changes on protein structure and function are either unavailable or do not agree on the potential impact of this missense change (SIFT: "Deleterious"; PolyPhen-2: "Benign"; Align-GVGD: "Class C0"). In summary, the available evidence is currently insufficient to determine the role of this variant in disease. Therefore, it has been classified as a Variant of Uncertain Significance.

NM_005045.4(RELN):c.9347C>T (p.Pro3116Leu)

Genes: SLC26A5-AS1 (SLC26A5 antisense RNA 1; plus strand), RELN (reelin; minus strand). Cytogenetic location: 7q22.1.
Variant type: single nucleotide variant.
Coding change: c.9347C>T on transcript NM_005045.4 (MANE Select); coding-DNA position 9347, C replaced by T.
Protein change: p.Pro3116Leu; replaces proline 3116 with leucine.
Molecular consequence: missense variant.
Genome position (GRCh38, 1-based): chr7:103,495,745, G>A on the plus strand (C>T on the coding strand, the complement: RELN is on the minus strand). VCF-style: chr7-103495745-G-A. GRCh37 (hg19) VCF-style: chr7-103136192-G-A.
Other names: c.9347C>T, p.Pro3116Leu (NM_173054.3); short protein forms P3116L.
Identifiers: ClinVar variation 847536 (VCV000847536.9), dbSNP rs1166597421, ClinGen allele CA368748766.
Genomic context (GRCh38, chr7:103,495,745, plus strand): 5'-AATGCTACTTTCTGTTTTAAAGAGCCACTTTTCCTTACTTTAAACTGCATCATGTATCCT[G>A]GCTGTATAATGAGTTCTCGGGAGGAGAGAGCATTGTGAGTCTTGTCCTTCTTTTTATTTG-3'
Protein context (NP_005036.2, residues 3106-3126): ALSSRELIIQ[Pro3116Leu]GYMMQFKIVV